The following is an entry in ClinVar:

NM_000553.6(WRN):c.1897T>C (p.Leu633=)

Gene: WRN (WRN RecQ like helicase; plus strand). Cytogenetic location: 8p12.
Variant type: single nucleotide variant.
Coding change: c.1897T>C on transcript NM_000553.6 (MANE Select); coding-DNA position 1897, T replaced by C.
Protein change: p.Leu633=; no amino-acid change (leucine 633 retained).
Molecular consequence: synonymous variant.
Genome position (GRCh38, 1-based): chr8:31,091,897, T>C. VCF-style: chr8-31091897-T-C. GRCh37 (hg19) VCF-style: chr8-30949413-T-C.
Identifiers: ClinVar variation 2975562 (VCV002975562.3), dbSNP rs2130179043, ClinGen allele CA460228369.

ClinVar aggregate classification (germline): Uncertain significance (1 of 4 stars; one submission).

Conditions:
Werner syndrome (WRN). Identifiers: Orphanet 902, MedGen C0043119, MONDO:0010196, OMIM 277700.

Submission:

Labcorp Genetics (formerly Invitae), Labcorp
Classification: Uncertain significance for Werner syndrome. Last evaluated: 2023-01-06. Review status: criteria provided, single submitter. Criteria: Invitae Variant Classification Sherloc (09022015). Collection method: clinical testing. Allele origin: germline.
Comment: This variant is not present in population databases (gnomAD no frequency). This sequence change affects codon 633 of the WRN mRNA. It is a 'silent' change, meaning that it does not change the encoded amino acid sequence of the WRN protein. It affects a nucleotide within the consensus splice site. This variant has not been reported in the literature in individuals affected with WRN-related conditions. In summary, the available evidence is currently insufficient to determine the role of this variant in disease. Therefore, it has been classified as a Variant of Uncertain Significance. Algorithms developed to predict the effect of sequence changes on RNA splicing suggest that this variant is not likely to affect RNA splicing.